The following is an entry in ClinVar:

NM_001144967.3(NEDD4L):c.1488G>C (p.Gln496His)

Gene: NEDD4L (NEDD4 like E3 ubiquitin protein ligase; plus strand). Cytogenetic location: 18q21.31.
Variant type: single nucleotide variant.
Coding change: c.1488G>C on transcript NM_001144967.3 (MANE Select); coding-DNA position 1488, G replaced by C.
Protein change: p.Gln496His; replaces glutamine 496 with histidine.
Molecular consequence: missense variant.
Genome position (GRCh38, 1-based): chr18:58,343,016, G>C. VCF-style: chr18-58343016-G-C. GRCh37 (hg19) VCF-style: chr18-56010248-G-C.
Other names: c.1125G>C, p.Gln375His (NM_001144964.1, NM_001144965.2, NM_001144966.3); c.1464G>C, p.Gln488His (NM_001144968.2); c.1404G>C, p.Gln468His (NM_001144969.2); c.1065G>C, p.Gln355His (NM_001144970.3, NM_001144971.2); c.1296G>C, p.Gln432His (NM_001243960.2); c.1428G>C, p.Gln476His (NM_015277.6); short protein forms Q476H, Q488H, Q355H, Q496H, Q375H, Q432H, Q468H.
Identifiers: ClinVar variation 2870260 (VCV002870260.3), dbSNP rs764949955, ClinGen allele CA8975702.
Genomic context (GRCh38, chr18:58,343,016, plus strand): 5'-CCCACAGTCCCCACAGCCATCACCTTACAACTCCCCCAAACCACAACACAAAGTCACACA[G>C]AGCTTCTTGCCACCCGGCTGGGAAATGAGGATAGCGCCAAACGGCCGGCCCTTCTTCATT-3'
Protein context (NP_001138439.1, residues 486-506): NSPKPQHKVT[Gln496His]SFLPPGWEMR

ClinVar aggregate classification (germline): Uncertain significance (1 of 4 stars; one submission).

Allele frequency attached by ClinVar (database versions not stated): ExAC 0.00001; TOPMed 0.00001.
gnomAD v4.1: 4 of 1,613,734 alleles (0.00025%); highest among the groups gnomAD compares: Non-Finnish European, 0.00025%; no homozygotes.

Submission:

Labcorp Genetics (formerly Invitae), Labcorp
Classification: Uncertain significance. Last evaluated: 2023-11-24. Review status: criteria provided, single submitter. Criteria: Invitae Variant Classification Sherloc (09022015). Collection method: clinical testing. Allele origin: germline.
Comment: This sequence change replaces glutamine, which is neutral and polar, with histidine, which is basic and polar, at codon 476 of the NEDD4L protein (p.Gln476His). This variant is present in population databases (rs764949955, gnomAD no frequency). This variant has not been reported in the literature in individuals affected with NEDD4L-related conditions. Advanced modeling of protein sequence and biophysical properties (such as structural, functional, and spatial information, amino acid conservation, physicochemical variation, residue mobility, and thermodynamic stability) performed at Invitae indicates that this missense variant is not expected to disrupt NEDD4L protein function with a negative predictive value of 80%. In summary, the available evidence is currently insufficient to determine the role of this variant in disease. Therefore, it has been classified as a Variant of Uncertain Significance.